The following is an entry in ClinVar:

ClinVar aggregate classification (germline): Uncertain significance (1 of 4 stars; one submission).

Allele frequency attached by ClinVar (database versions not stated): gnomAD exomes below 0.00001; gnomAD 0.00001; TOPMed 0.00001.
gnomAD v4.1: 2 of 1,613,476 alleles (0.00012%); highest among the groups gnomAD compares: African/African-American, 0.0027%; no homozygotes.

Submission:

Labcorp Genetics (formerly Invitae), Labcorp
Classification: Uncertain significance. Last evaluated: 2024-04-15. Review status: criteria provided, single submitter. Criteria: Invitae Variant Classification Sherloc (09022015). Collection method: clinical testing. Allele origin: germline.
Comment: This sequence change replaces glycine, which is neutral and non-polar, with aspartic acid, which is acidic and polar, at codon 979 of the DSCAML1 protein (p.Gly979Asp). This variant is present in population databases (no rsID available, gnomAD 0.008%). This variant has not been reported in the literature in individuals affected with DSCAML1-related conditions. ClinVar contains an entry for this variant (Variation ID: 1928838). An algorithm developed to predict the effect of missense changes on protein structure and function (PolyPhen-2) suggests that this variant is likely to be disruptive. In summary, the available evidence is currently insufficient to determine the role of this variant in disease. Therefore, it has been classified as a Variant of Uncertain Significance.

NM_020693.4(DSCAML1):c.2756G>A (p.Gly919Asp)

Gene: DSCAML1 (DS cell adhesion molecule like 1; minus strand). Cytogenetic location: 11q23.3.
Variant type: single nucleotide variant.
Coding change: c.2756G>A on transcript NM_020693.4 (MANE Select); coding-DNA position 2756, G replaced by A.
Protein change: p.Gly919Asp; replaces glycine 919 with aspartic acid.
Molecular consequence: missense variant.
Genome position (GRCh38, 1-based): chr11:117,480,472, C>T on the plus strand (G>A on the coding strand, the complement: DSCAML1 is on the minus strand). VCF-style: chr11-117480472-C-T. GRCh37 (hg19) VCF-style: chr11-117351187-C-T.
Other names: c.2756G>A, p.Gly919Asp (NM_001367904.1); short protein forms G919D.
Identifiers: ClinVar variation 1928838 (VCV001928838.5), dbSNP rs1480568315, ClinGen allele CA382746810.